The following is an entry in ClinVar:

ClinVar aggregate classification (germline): Uncertain significance. Review status: criteria provided, multiple submitters, no conflicts (2 of 4 stars). 2 submissions from 2 submitters: Uncertain significance (2). Last evaluated 2021-12-13.

Conditions:
Retinitis pigmentosa 39 (RP39). Identifiers: Orphanet 791, MedGen C3151138, MONDO:0013436, OMIM 613809.
Usher syndrome type 2A. Also called: RETINAL DISEASE IN USHER SYNDROME TYPE IIA, MODIFIER OF; USHER SYNDROME, TYPE IIA. Identifiers: Orphanet 231178, Orphanet 886, MedGen C1848634, MONDO:0010169, OMIM 276901.

Submissions (2):

Blueprint Genetics
Classification: Uncertain significance. Last evaluated: 2021-12-13. Review status: criteria provided, single submitter. Criteria: ACMG Guidelines, 2015. Collection method: clinical testing. Allele origin: germline.

Juno Genomics, Hangzhou Juno Genomics, Inc
Classification: Uncertain significance for Retinitis pigmentosa 39; Usher syndrome type 2A. Review status: criteria provided, single submitter. Criteria: ACMG Guidelines, 2015. Collection method: clinical testing. Allele origin: germline.
Comment: For recessive disorders, detected in trans with a pathogenic variant.;Multiple lines of computational evidence suggest no impact on gene or gene product.

NM_206933.4(USH2A):c.484A>G (p.Met162Val)

Gene: USH2A (usherin; minus strand). Cytogenetic location: 1q41.
Variant type: single nucleotide variant.
Coding change: c.484A>G on transcript NM_206933.4 (MANE Select); coding-DNA position 484, A replaced by G.
Protein change: p.Met162Val; replaces methionine 162 with valine.
Molecular consequence: missense variant.
Genome position (GRCh38, 1-based): chr1:216,421,853, T>C on the plus strand (A>G on the coding strand, the complement: USH2A is on the minus strand). VCF-style: chr1-216421853-T-C. GRCh37 (hg19) VCF-style: chr1-216595195-T-C.
Other names: c.484A>G, p.Met162Val (NM_007123.6); short protein forms M162V.
Identifiers: ClinVar variation 4940207 (VCV004940207.3).